The following is an entry in ClinVar:

NM_000550.3(TYRP1):c.445del (p.Asp149fs)

Gene: TYRP1 (tyrosinase related protein 1; plus strand). Cytogenetic location: 9p23.
Variant type: Deletion.
Coding change: c.445del on transcript NM_000550.3 (MANE Select); coding-DNA position 445, one base deleted (G; older notation c.445delG).
Protein change: p.Asp149fs; shifts the reading frame from aspartic acid 149.
Molecular consequence: frameshift variant.
Genome position (GRCh38, 1-based): chr9:12,695,574, G deleted; the last of 2 consecutive G bases (chr9:12,695,573-12,695,574); deleting either gives the same sequence. VCF-style (leftmost placement, unchanged base first): chr9-12695572-TG-T. GRCh37 (hg19) VCF-style: chr9-12695572-TG-T.
Other names: short protein forms D149fs.
Identifiers: ClinVar variation 2829011 (VCV002829011.3), dbSNP rs2537276188, ClinGen allele CA2739269138.

ClinVar aggregate classification (germline): Pathogenic (1 of 4 stars; one submission).

Submission:

Labcorp Genetics (formerly Invitae), Labcorp
Classification: Pathogenic. Last evaluated: 2023-01-16. Review status: criteria provided, single submitter. Criteria: Invitae Variant Classification Sherloc (09022015). Collection method: clinical testing. Allele origin: germline.
Comment: For these reasons, this variant has been classified as Pathogenic. This variant has not been reported in the literature in individuals affected with TYRP1-related conditions. This variant is not present in population databases (gnomAD no frequency). This sequence change creates a premature translational stop signal (p.Asp149Ilefs*55) in the TYRP1 gene. It is expected to result in an absent or disrupted protein product. Loss-of-function variants in TYRP1 are known to be pathogenic (PMID: 8651291, 9345097).

Literature cited by the submitters: PubMed 8651291; PubMed 9345097.